The following is an entry in ClinVar:

ClinVar aggregate classification (germline): Conflicting classifications of pathogenicity. Review status: criteria provided, conflicting classifications (1 of 4 stars). 18 submissions from 14 submitters: Uncertain significance (13); Benign (1); Likely benign (4). Last evaluated 2026-09-21.

Conditions:
TTN-related disorder. Also called: TTN-related disorders; TTN-related condition; TTN-related disease.
Cardiovascular phenotype. Identifiers: MedGen CN230736.
Dilated cardiomyopathy 1G (CMD1G). Identifiers: Orphanet 154, MedGen C1858763, MONDO:0011400, OMIM 604145.
Autosomal recessive limb-girdle muscular dystrophy type 2J (LGMDR10). Also called: Limb-girdle muscular dystrophy, type 2J; MUSCULAR DYSTROPHY, LIMB-GIRDLE, AUTOSOMAL RECESSIVE 10. Identifiers: Orphanet 140922, MedGen C1837342, MONDO:0012127, OMIM 608807.
Cardiomyopathy (CMYO). Also called: Cardiomyopathies. Identifiers: Orphanet 167848, MedGen C0878544, MONDO:0004994, HP:0001638. Inheritance: Various modes of inheritance.
Tibial muscular dystrophy (TMD). Also called: UDD MYOPATHY; Tibial muscular dystrophy, tardive; Udd Distal Myopathy – Tibial Muscular Dystrophy. Identifiers: Orphanet 609, MedGen C1838244, MONDO:0010870, OMIM 600334.
Early-onset myopathy with fatal cardiomyopathy (CMYO5). Also called: CONGENITAL MYOPATHY 5 WITH CARDIOMYOPATHY; Salih Myopathy. Identifiers: Orphanet 289377, MedGen C2673677, MONDO:0012714, OMIM 611705. Disease mechanism: loss of function.
Myopathy, myofibrillar, 9, with early respiratory failure (MFM9). Also called: Hereditary myopathy with early respiratory failure; MYOPATHY, PROXIMAL, WITH EARLY RESPIRATORY MUSCLE INVOLVEMENT; EDSTROM MYOPATHY; Myopathy, distal, with early respiratory failure, autosomal dominant. Identifiers: Orphanet 178464, Orphanet 34521, MedGen C1863599, MONDO:0011362, OMIM 603689.

Allele frequency attached by ClinVar (database versions not stated): ExAC 0.00010; TOPMed 0.00013; gnomAD 0.00015 and 0.00016; ESP Exome Variant Server 0.00016.
gnomAD v4.1: 306 of 1,613,776 alleles (0.019%); highest among the groups gnomAD compares: Non-Finnish European, 0.023%; no homozygotes.

Submissions (18):

Molecular Diagnostic Laboratory for Inherited Cardiovascular Disease, Montreal Heart Institute
Classification: Likely benign. Last evaluated: 2026-09-21. Review status: criteria provided, single submitter. Criteria: ACMG Guidelines, 2015. Collection method: clinical testing. Allele origin: germline. Affected: no.
Comment: BP1

PreventionGenetics, part of Exact Sciences
Classification: Uncertain significance for TTN-related condition. Last evaluated: 2026-08-28. Review status: criteria provided, single submitter. Criteria: ACMG Guidelines, 2015. Collection method: clinical testing. Allele origin: germline.
Comment: The TTN c.92684G>A variant is predicted to result in the amino acid substitution p.Arg30895Gln. To our knowledge, this variant has not been reported in the literature. This variant is reported in 0.022% of alleles in individuals of European (Non-Finnish) descent in gnomAD. An alternative variant that gives rise to the same amino acid change has been reported in an individual from an exome cohort in which clinical details were not provided (referred to as c.84979G>A p.Arg28327Gln in transcript NM_133378 in Supplemental Table 3, Ng et al. 2013. PubMed ID: 23861362). Although we suspect that the c.92684G>A, p.Arg30895Gln variant may be benign, at this time, the clinical significance of this variant is uncertain due to the absence of conclusive functional and genetic evidence.

Revvity Omics, Revvity
Classification: Uncertain significance. Last evaluated: 2023-03-23. Review status: criteria provided, single submitter. Criteria: ACMG Guidelines, 2015. Collection method: clinical testing. Allele origin: germline.

Athena Diagnostics
Classification: Uncertain significance. Last evaluated: 2023-01-04. Review status: criteria provided, single submitter. Criteria: Athena Diagnostics Criteria. Collection method: clinical testing. Allele origin: unknown.
Comment: Available data are insufficient to determine the clinical significance of the variant at this time. The frequency of this variant in the general population is higher than would generally be expected for pathogenic variants in this gene. Computational tools disagree on the variant's effect on normal protein function.

Mayo Clinic Laboratories, Mayo Clinic
Classification: Uncertain significance. Last evaluated: 2022-06-30. Review status: criteria provided, single submitter. Criteria: ACMG Guidelines, 2015. Collection method: clinical testing. Allele origin: germline. Observed: 3 variant alleles.

GeneDx
Classification: Likely benign. Last evaluated: 2021-01-08. Review status: criteria provided, single submitter. Criteria: GeneDx Variant Classification Process June 2021. Collection method: clinical testing. Allele origin: germline. Affected: yes.
Comment: This variant is associated with the following publications: (PMID: 23861362, 24033266)

CHEO Genetics Diagnostic Laboratory, Children's Hospital of Eastern Ontario
Classification: Uncertain significance for Cardiomyopathy. Last evaluated: 2020-07-20. Review status: criteria provided, single submitter. Criteria: ACMG Guidelines, 2015. Collection method: clinical testing. Allele origin: germline.

Ambry Genetics
Classification: Likely benign for Cardiovascular phenotype. Last evaluated: 2020-02-14. Review status: criteria provided, single submitter. Criteria: Ambry Variant Classification Scheme 2023. Collection method: clinical testing. Allele origin: germline.

Illumina Laboratory Services, Illumina
Classification: Uncertain significance for Dilated cardiomyopathy 1G. Last evaluated: 2018-01-12. Review status: criteria provided, single submitter. Criteria: ICSL Variant Classification Criteria 13 December 2019. Collection method: clinical testing. Allele origin: germline.

Illumina Laboratory Services, Illumina
Classification: Uncertain significance for Autosomal recessive limb-girdle muscular dystrophy type 2J. Last evaluated: 2018-01-12. Review status: criteria provided, single submitter. Criteria: ICSL Variant Classification Criteria 13 December 2019. Collection method: clinical testing. Allele origin: germline.

Illumina Laboratory Services, Illumina
Classification: Uncertain significance for Early-onset myopathy with fatal cardiomyopathy. Last evaluated: 2018-01-12. Review status: criteria provided, single submitter. Criteria: ICSL Variant Classification Criteria 13 December 2019. Collection method: clinical testing. Allele origin: germline.

Illumina Laboratory Services, Illumina
Classification: Likely benign for Myopathy, myofibrillar, 9, with early respiratory failure. Last evaluated: 2018-01-12. Review status: criteria provided, single submitter. Criteria: ICSL Variant Classification Criteria 13 December 2019. Collection method: clinical testing. Allele origin: germline.
Comment: This variant was observed in the ICSL laboratory as part of a predisposition screen in an ostensibly healthy population. It had not been previously curated by ICSL or reported in the Human Gene Mutation Database (HGMD: prior to June 1st, 2018), and was therefore a candidate for classification through an automated scoring system. Utilizing variant allele frequency, disease prevalence and penetrance estimates, and inheritance mode, an automated score was calculated to assess if this variant is too frequent to cause the disease. Based on the score and internal cut-off values, a variant classified as likely benign is not then subjected to further curation. The score for this variant resulted in a classification of likely benign for this disease.

Illumina Laboratory Services, Illumina
Classification: Benign for Tibial muscular dystrophy. Last evaluated: 2018-01-12. Review status: criteria provided, single submitter. Criteria: ICSL Variant Classification Criteria 13 December 2019. Collection method: clinical testing. Allele origin: germline.
Comment: This variant was observed in the ICSL laboratory as part of a predisposition screen in an ostensibly healthy population. It had not been previously curated by ICSL or reported in the Human Gene Mutation Database (HGMD: prior to June 1st, 2018), and was therefore a candidate for classification through an automated scoring system. Utilizing variant allele frequency, disease prevalence and penetrance estimates, and inheritance mode, an automated score was calculated to assess if this variant is too frequent to cause the disease. Based on the score and internal cut-off values, a variant classified as benign is not then subjected to further curation. The score for this variant resulted in a classification of benign for this disease.

Labcorp Genetics (formerly Invitae), Labcorp
Classification: Uncertain significance for Dilated cardiomyopathy 1G; Autosomal recessive limb-girdle muscular dystrophy type 2J. Last evaluated: 2017-11-21. Review status: criteria provided, single submitter. Criteria: Invitae Variant Classification Sherloc (09022015). Collection method: clinical testing. Allele origin: germline.

CeGaT Center for Human Genetics Tuebingen
Classification: Uncertain significance. Last evaluated: 2017-05-01. Review status: criteria provided, single submitter. Criteria: CeGaT Center For Human Genetics Tuebingen Variant Classification Criteria Version 2. Collection method: clinical testing. Allele origin: germline. Affected: yes. Observed: 1 variant allele.

Eurofins Ntd Llc (ga)
Classification: Uncertain significance. Last evaluated: 2016-12-09. Review status: criteria provided, single submitter. Criteria: EGL Classification Definitions 2015. Collection method: clinical testing. Allele origin: germline. Observed: 5 variant alleles, 5 heterozygotes.

Laboratory for Molecular Medicine, Mass General Brigham Personalized Medicine
Classification: Uncertain significance. Last evaluated: 2014-04-04. Review status: criteria provided, single submitter. Criteria: LMM Criteria. Collection method: clinical testing. Allele origin: germline. Observed: 2 variant alleles.
Comment: The Arg28327Gln variant in TTN has not been previously reported in individuals w ith cardiomyopathy, but has been identified in 2/8318 of European American chrom osomes by the NHLBI Exome Sequencing Project (dbSNP rs200141081). Computational prediction tools and conservation analysis su ggest that this variant may impact the protein, though this information is not p redictive enough to determine pathogenicity. Additional information is needed to fully assess the clinical significance of the Arg28327Gln variant.

Biesecker Lab/Clinical Genomics Section, National Institutes of Health
Classification: Uncertain significance. Last evaluated: 2013-06-24. Review status: criteria provided, single submitter. Criteria: Ng et al. (Circ Cardiovasc Genet. 2013). Collection method: research. Allele origin: unknown. Observed: 1 variant allele. Study: ClinSeq.
Comment: The study set was not selected for affection status in relation to any cancer. Pathogenicity categories were based on literature curation. See Pubmed ID:23861362 for details.

Medical sequencing

Literature cited by the submitters: PubMed 23861362 (cited by Athena Diagnostics and Ambry Genetics).

NM_001267550.2(TTN):c.92684G>A (p.Arg30895Gln)

Genes: TTN-AS1 (TTN antisense RNA 1; plus strand), TTN (titin; minus strand). Cytogenetic location: 2q31.2.
Variant type: single nucleotide variant.
Coding change: c.92684G>A on transcript NM_001267550.2 (MANE Select); coding-DNA position 92684, G replaced by A.
Protein change: p.Arg30895Gln; replaces arginine 30895 with glutamine.
Molecular consequence: missense variant.
Genome position (GRCh38, 1-based): chr2:178,548,942, C>T on the plus strand (G>A on the coding strand, the complement: TTN is on the minus strand). VCF-style: chr2-178548942-C-T. GRCh37 (hg19) VCF-style: chr2-179413669-C-T.
Other names: p.R29254Q:CGA>CAA; p.Arg29254Gln; c.92684G>A (NM_001267550.1); c.65864G>A, p.Arg21955Gln (NM_133432.3); c.66065G>A, p.Arg22022Gln (NM_133437.4); c.87761G>A, p.Arg29254Gln (NM_001256850.1); c.65489G>A, p.Arg21830Gln (NM_003319.4); c.84980G>A, p.Arg28327Gln (NM_133378.4); short protein forms R28327Q, R30895Q, R29254Q, R21830Q, R22022Q, R21955Q.
Identifiers: ClinVar variation 165735 (VCV000165735.69), dbSNP rs200141081, ClinGen allele CA178440.